The following is an entry in ClinVar:

ClinVar aggregate classification (germline): Uncertain significance. Review status: criteria provided, multiple submitters, no conflicts (2 of 4 stars). 3 submissions from 3 submitters: Uncertain significance (3). Last evaluated 2024-12-20.

Conditions:
Inborn genetic diseases. Identifiers: MedGen C0950123, MeSH D030342.

Allele frequency attached by ClinVar (database versions not stated): TOPMed below 0.00001; ExAC 0.00001; ESP Exome Variant Server 0.00008.
gnomAD v4.1: 29 of 1,613,448 alleles (0.0018%); highest among the groups gnomAD compares: Non-Finnish European, 0.0023%; no homozygotes.

Submissions (3):

Ambry Genetics
Classification: Uncertain significance for Inborn genetic diseases. Last evaluated: 2024-12-20. Review status: criteria provided, single submitter. Criteria: Ambry Variant Classification Scheme 2023. Collection method: clinical testing. Allele origin: germline.
Comment: The p.A922S variant (also known as c.2764G>T), located in coding exon 1 of the SAMD9 gene, results from a G to T substitution at nucleotide position 2764. The alanine at codon 922 is replaced by serine, an amino acid with similar properties. This amino acid position is conserved. In addition, this alteration is predicted to be tolerated by in silico analysis. Based on the available evidence, the clinical significance of this variant remains unclear.

Labcorp Genetics (formerly Invitae), Labcorp
Classification: Uncertain significance. Last evaluated: 2024-10-25. Review status: criteria provided, single submitter. Criteria: Invitae Variant Classification Sherloc (09022015). Collection method: clinical testing. Allele origin: germline.
Comment: This sequence change replaces alanine, which is neutral and non-polar, with serine, which is neutral and polar, at codon 922 of the SAMD9 protein (p.Ala922Ser). This variant is present in population databases (rs369626579, gnomAD 0.0009%). This variant has not been reported in the literature in individuals affected with SAMD9-related conditions. ClinVar contains an entry for this variant (Variation ID: 1477555). An algorithm developed to predict the effect of missense changes on protein structure and function outputs the following: PolyPhen-2: "Benign". The serine amino acid residue is found in multiple mammalian species, which suggests that this missense change does not adversely affect protein function. In summary, the available evidence is currently insufficient to determine the role of this variant in disease. Therefore, it has been classified as a Variant of Uncertain Significance.

GeneDx
Classification: Uncertain significance. Last evaluated: 2022-08-09. Review status: criteria provided, single submitter. Criteria: GeneDx Variant Classification Process June 2021. Collection method: clinical testing. Allele origin: germline. Affected: yes.
Comment: Not observed at significant frequency in large population cohorts (gnomAD); In silico analysis supports that this missense variant does not alter protein structure/function; Has not been previously published as pathogenic or benign to our knowledge; This variant is associated with the following publications: (PMID: 28545555)

NM_017654.4(SAMD9):c.2764G>T (p.Ala922Ser)

Gene: SAMD9 (sterile alpha motif domain containing 9; minus strand). Cytogenetic location: 7q21.2.
Variant type: single nucleotide variant.
Coding change: c.2764G>T on transcript NM_017654.4 (MANE Select); coding-DNA position 2764, G replaced by T.
Protein change: p.Ala922Ser; replaces alanine 922 with serine.
Molecular consequence: missense variant.
Genome position (GRCh38, 1-based): chr7:93,103,334, C>A on the plus strand (G>T on the coding strand, the complement: SAMD9 is on the minus strand). VCF-style: chr7-93103334-C-A. GRCh37 (hg19) VCF-style: chr7-92732647-C-A.
Other names: c.2764G>T, p.Ala922Ser (NM_001193307.2); c.2764G>T (NM_017654.3); short protein forms A922S.
Identifiers: ClinVar variation 1477555 (VCV001477555.9), dbSNP rs369626579, ClinGen allele CA4342784.